The following is an entry in ClinVar:

ClinVar aggregate classification (germline): Uncertain significance (1 of 4 stars; one submission).

Allele frequency attached by ClinVar (database versions not stated): gnomAD exomes below 0.00001.
gnomAD v4.1: 1 of 1,536,084 alleles (0.000065%); highest among the groups gnomAD compares: Non-Finnish European, 0.000087%; no homozygotes.

Submission:

GeneDx
Classification: Uncertain significance. Last evaluated: 2014-04-30. Review status: criteria provided, single submitter. Criteria: GeneDx Variant Classification (06012015). Collection method: clinical testing. Allele origin: germline. Affected: yes.
Comment: p.Thr683Ile (ACT>ATT): c.2048 C>T in exon 20 of the DTNA gene (NM_001198938.1). The T683I variant has not been published as a mutation, nor has it been reported as a benign polymorphism to our knowledge. Data from control individuals were not available to assess whether T683I may be a common benign variant in the general population. The T683I variant is a non-conservative amino acid substitution, which is likely to impact secondary protein structure as these residues differ in polarity, charge, size and/or other properties. This substitution occurs at a position that is not conserved across species. In addition, this variant occurs in an alternate transcript where no mutations have been reported in association with disease. Therefore, based on the currently available information, it is unclear whether this variant is a pathogenic mutation or a rare benign variant. The variant is found in CARDIOMYOPATHY panel(s).

NM_001386795.1(DTNA):c.*2579C>T

Gene: DTNA (dystrobrevin alpha; plus strand). Cytogenetic location: 18q12.1.
Variant type: single nucleotide variant.
Coding change: c.*2579C>T on transcript NM_001386795.1 (MANE Select); 2579 bases downstream of the stop codon, C replaced by T.
Molecular consequence: 3 prime UTR variant. On other transcripts: missense variant (2).
Genome position (GRCh38, 1-based): chr18:34,890,313, C>T. VCF-style: chr18-34890313-C-T. GRCh37 (hg19) VCF-style: chr18-32470277-C-T.
Other names: p.T683I:ACT>ATT; c.2048C>T, p.Thr683Ile (NM_001198938.2, NM_001386753.1); c.*2579C>T (NM_001198939.2, NM_001198940.2, NM_001198942.1 and 12 more transcripts); c.*45C>T (NM_001386755.1, NM_001386756.1, NM_001386759.1 and 7 more transcripts); short protein forms T683I.
Identifiers: ClinVar variation 201769 (VCV000201769.2), dbSNP rs794729008, ClinGen allele CA335139.